The following is an entry in ClinVar:

NM_001330588.2(TPP2):c.3479C>G (p.Thr1160Ser)

Gene: TPP2 (tripeptidyl peptidase 2; plus strand). Cytogenetic location: 13q33.1.
Variant type: single nucleotide variant.
Coding change: c.3479C>G on transcript NM_001330588.2 (MANE Select); coding-DNA position 3479, C replaced by G.
Protein change: p.Thr1160Ser; replaces threonine 1160 with serine.
Molecular consequence: missense variant. On other transcripts: non-coding transcript variant (1).
Genome position (GRCh38, 1-based): chr13:102,674,390, C>G. VCF-style: chr13-102674390-C-G. GRCh37 (hg19) VCF-style: chr13-103326740-C-G.
Other names: c.3566C>G, p.Thr1189Ser (NM_001367947.1); c.3440C>G, p.Thr1147Ser (NM_003291.4); c.3440C>G (NM_003291.2); short protein forms T1160S, T1147S, T1189S.
Identifiers: ClinVar variation 1406406 (VCV001406406.8), dbSNP rs748980441, ClinGen allele CA7038282.

ClinVar aggregate classification (germline): Conflicting classifications of pathogenicity. Review status: criteria provided, conflicting classifications (1 of 4 stars). 2 submissions from 2 submitters: Uncertain significance (1); Likely benign (1). Last evaluated 2024-09-27.

Conditions:
Inborn genetic diseases. Identifiers: MedGen C0950123, MeSH D030342.
Evans syndrome, immunodeficiency, and premature immunosenescence associated with tripeptidyl-peptidase II deficiency. Identifiers: MedGen CN231723. Disease mechanism: loss of function.

Allele frequency attached by ClinVar (database versions not stated): gnomAD exomes below 0.00001; ExAC 0.00001; gnomAD 0.00001.
gnomAD v4.1: 3 of 1,613,886 alleles (0.00019%); highest among the groups gnomAD compares: East Asian, 0.0022%; no homozygotes.

Submissions (2):

Ambry Genetics
Classification: Likely benign for Inborn genetic diseases. Last evaluated: 2024-09-27. Review status: criteria provided, single submitter. Criteria: Ambry Variant Classification Scheme 2023. Collection method: clinical testing. Allele origin: germline.

Labcorp Genetics (formerly Invitae), Labcorp
Classification: Uncertain significance for Evans syndrome, immunodeficiency, and premature immunosenescence associated with tripeptidyl-peptidase II deficiency. Last evaluated: 2024-03-02. Review status: criteria provided, single submitter. Criteria: Invitae Variant Classification Sherloc (09022015). Collection method: clinical testing. Allele origin: germline.
Comment: This sequence change replaces threonine, which is neutral and polar, with serine, which is neutral and polar, at codon 1147 of the TPP2 protein (p.Thr1147Ser). This variant is not present in population databases (gnomAD no frequency). This variant has not been reported in the literature in individuals affected with TPP2-related conditions. ClinVar contains an entry for this variant (Variation ID: 1406406). Algorithms developed to predict the effect of missense changes on protein structure and function output the following: SIFT: "Not Available"; PolyPhen-2: "Benign"; Align-GVGD: "Not Available". The serine amino acid residue is found in multiple mammalian species, which suggests that this missense change does not adversely affect protein function. In summary, the available evidence is currently insufficient to determine the role of this variant in disease. Therefore, it has been classified as a Variant of Uncertain Significance.